The following is an entry in ClinVar:

ClinVar aggregate classification (germline): Benign. Review status: criteria provided, multiple submitters, no conflicts (2 of 4 stars). 2 submissions from 2 submitters: Benign (2). Last evaluated 2018-01-12.

Conditions:
Agenesis of the corpus callosum with peripheral neuropathy (ACCPN). Also called: CHARLEVOIX DISEASE; POLYNEUROPATHY, SENSORIMOTOR, WITH OR WITHOUT AGENESIS OF THE CORPUS CALLOSUM; HMSN/ACC; Hereditary Motor and Sensory Neuropathy with Agenesis of the Corpus Callosum. Identifiers: Orphanet 1496, MedGen C0795950, MONDO:0000902, OMIM 218000. Disease mechanism: loss of function.

Allele frequency attached by ClinVar (database versions not stated): gnomAD exomes 0.10203; 1000 Genomes Project 0.14597; 1000 Genomes Project 30x 0.14991; gnomAD 0.15530 and 0.15870; TOPMed 0.15727.
gnomAD v4.1: 24,587 of 162,074 alleles (15%); highest among the groups gnomAD compares: African/African-American, 26%; 2,273 homozygotes.

Submissions (2):

Illumina Laboratory Services, Illumina
Classification: Benign for Agenesis of the corpus callosum with peripheral neuropathy. Last evaluated: 2018-01-12. Review status: criteria provided, single submitter. Criteria: ICSL Variant Classification Criteria 13 December 2019. Collection method: clinical testing. Allele origin: germline.
Comment: This variant was observed in the ICSL laboratory as part of a predisposition screen in an ostensibly healthy population. It had not been previously curated by ICSL or reported in the Human Gene Mutation Database (HGMD: prior to June 1st, 2018), and was therefore a candidate for classification through an automated scoring system. Utilizing variant allele frequency, disease prevalence and penetrance estimates, and inheritance mode, an automated score was calculated to assess if this variant is too frequent to cause the disease. Based on the score and internal cut-off values, a variant classified as benign is not then subjected to further curation. The score for this variant resulted in a classification of benign for this disease.

Breakthrough Genomics
Classification: Benign. Review status: criteria provided, single submitter. Criteria: ACMG Guidelines, 2015. Collection method: not provided. Allele origin: germline. Inheritance: Autosomal recessive inheritance. Affected: yes.

NM_001365088.1(SLC12A6):c.*494A>G

Gene: SLC12A6 (solute carrier family 12 member 6; minus strand). Cytogenetic location: 15q14.
Variant type: single nucleotide variant.
Coding change: c.*494A>G on transcript NM_001365088.1 (MANE Select); 494 bases downstream of the stop codon, A replaced by G.
Molecular consequence: 3 prime UTR variant.
Genome position (GRCh38, 1-based): chr15:34,233,387, T>C on the plus strand (A>G on the coding strand, the complement: SLC12A6 is on the minus strand). VCF-style: chr15-34233387-T-C. GRCh37 (hg19) VCF-style: chr15-34525588-T-C.
Other names: c.*494A>G (NM_001042494.2, NM_001042495.2, NM_001042496.2 and 3 more transcripts).
Identifiers: ClinVar variation 315604 (VCV000315604.6), dbSNP rs16958873, ClinGen allele CA10641597.